The following is an entry in ClinVar:

NM_001035.3(RYR2):c.7608T>C (p.Ala2536=)

Gene: RYR2 (ryanodine receptor 2; plus strand). Cytogenetic location: 1q43.
Variant type: single nucleotide variant.
Coding change: c.7608T>C on transcript NM_001035.3 (MANE Select); coding-DNA position 7608, T replaced by C.
Protein change: p.Ala2536=; no amino-acid change (alanine 2536 retained).
Molecular consequence: synonymous variant.
Genome position (GRCh38, 1-based): chr1:237,649,972, T>C. VCF-style: chr1-237649972-T-C. GRCh37 (hg19) VCF-style: chr1-237813272-T-C.
Identifiers: ClinVar variation 43825 (VCV000043825.32), dbSNP rs367987360, ClinGen allele CA010741.

ClinVar aggregate classification (germline): Benign/Likely benign. Review status: criteria provided, multiple submitters, no conflicts (2 of 4 stars). 9 submissions from 9 submitters: Benign (2); Likely benign (6). 1 of the submissions does not count toward it. Last evaluated 2026-01-11.

Conditions:
RYR2-related disorder. Also called: RYR2-related condition.
Cardiovascular phenotype. Identifiers: MedGen CN230736.
Cardiomyopathy (CMYO). Also called: Cardiomyopathies. Identifiers: Orphanet 167848, MedGen C0878544, MONDO:0004994, HP:0001638. Inheritance: Various modes of inheritance.
Catecholaminergic polymorphic ventricular tachycardia 1. Also called: VENTRICULAR TACHYCARDIA, CATECHOLAMINERGIC POLYMORPHIC, 1, WITH OR WITHOUT ATRIAL DYSFUNCTION AND/OR DILATED CARDIOMYOPATHY; VENTRICULAR TACHYCARDIA, STRESS-INDUCED POLYMORPHIC 1; RYR2-Related Catecholaminergic Polymorphic Ventricular Tachycardia. Identifiers: Orphanet 3286, MedGen C1631597, MONDO:0011484, OMIM 604772.
Catecholaminergic polymorphic ventricular tachycardia (CVPT). Also called: Catecholamine-induced polymorphic ventricular tachycardia. Identifiers: Orphanet 3286, MedGen C5574922, MONDO:0017990.

Allele frequency attached by ClinVar (database versions not stated): ESP Exome Variant Server 0.00008; gnomAD 0.00008 and 0.00009; TOPMed 0.00008; gnomAD exomes 0.00014 and 0.00025; ExAC 0.00038.
gnomAD v4.1: 230 of 1,613,914 alleles (0.014%); highest among the groups gnomAD compares: South Asian, 0.12%; 1 homozygote.

Submissions (9):

Labcorp Genetics (formerly Invitae), Labcorp
Classification: Benign for Catecholaminergic polymorphic ventricular tachycardia 1. Last evaluated: 2026-01-11. Review status: criteria provided, single submitter. Criteria: Invitae Variant Classification Sherloc (09022015). Collection method: clinical testing. Allele origin: germline.

Blueprint Genetics
Classification: Likely benign. Last evaluated: 2024-09-24. Review status: criteria provided, single submitter. Criteria: ACMG Guidelines, 2015. Collection method: clinical testing. Allele origin: germline.

All of Us Research Program, National Institutes of Health
Classification: Likely benign for Catecholaminergic polymorphic ventricular tachycardia. Last evaluated: 2024-02-05. Review status: criteria provided, single submitter. Criteria: ACMG Guidelines, 2015. Collection method: clinical testing. Allele origin: germline. Inheritance: Autosomal dominant inheritance. Observed: 13 variant alleles, 13 heterozygotes.
Comment: This study involves interpretation of variants in research participants for the purpose of population health screening. Participant phenotype was not available at the time of variant classification. Additional details can be found in publication PMID: 35346344, PMCID: PMC8962531

Women's Health and Genetics/Laboratory Corporation of America, LabCorp
Classification: Benign. Last evaluated: 2021-08-21. Review status: criteria provided, single submitter. Criteria: LabCorp Variant Classification Summary - May 2015. Collection method: clinical testing. Allele origin: germline.

ARUP Laboratories, Molecular Genetics and Genomics, ARUP Laboratories
Classification: Likely benign. Last evaluated: 2020-03-09. Review status: criteria provided, single submitter. Criteria: ARUP Molecular Germline Variant Investigation Process. Collection method: clinical testing. Allele origin: germline.

Ambry Genetics
Classification: Likely benign for Cardiovascular phenotype. Last evaluated: 2019-09-16. Review status: criteria provided, single submitter. Criteria: Ambry Variant Classification Scheme 2023. Collection method: clinical testing. Allele origin: germline.

Color Diagnostics, LLC DBA Color Health
Classification: Likely benign for Cardiomyopathy. Last evaluated: 2018-03-23. Review status: criteria provided, single submitter. Criteria: ACMG Guidelines, 2015. Collection method: clinical testing. Allele origin: germline.

Laboratory for Molecular Medicine, Mass General Brigham Personalized Medicine
Classification: Likely benign. Last evaluated: 2012-06-11. Review status: criteria provided, single submitter. Criteria: LMM Criteria. Collection method: clinical testing. Allele origin: germline. Observed: 1 variant allele.
Comment: Ala2536Ala in exon 50 of RYR2: This variant is not expected to have clinical sig nificance because it does not alter an amino acid residue and is not located wit hin the splice consensus sequence. It has been identified in 1/6802 European Ame rican chromosomes from a broad population by the NHLBI Exome Sequencing Project. Ala2536Ala in exon 50 of RYR2 (allele frequ ency = 1/6802) **

PreventionGenetics, part of Exact Sciences
Classification: Likely benign for RYR2-related condition. Last evaluated: 2023-10-20. Review status: no assertion criteria provided. Collection method: clinical testing. Allele origin: germline. Not counted in ClinVar's aggregate classification.
Comment: This variant is classified as likely benign based on ACMG/AMP sequence variant interpretation guidelines (Richards et al. 2015 PMID: 25741868, with internal and published modifications).